The following is an entry in ClinVar:

NM_001130004.2(ACTN1):c.821A>G (p.Gln274Arg)

Gene: ACTN1 (actinin alpha 1; minus strand). Cytogenetic location: 14q24.1.
Variant type: single nucleotide variant.
Coding change: c.821A>G on transcript NM_001130004.2 (MANE Select); coding-DNA position 821, A replaced by G.
Protein change: p.Gln274Arg; replaces glutamine 274 with arginine.
Molecular consequence: missense variant. On other transcripts: 5 prime UTR variant (1).
Genome position (GRCh38, 1-based): chr14:68,893,689, T>C on the plus strand (A>G on the coding strand, the complement: ACTN1 is on the minus strand). VCF-style: chr14-68893689-T-C. GRCh37 (hg19) VCF-style: chr14-69360406-T-C.
Other names: c.821A>G, p.Gln274Arg (NM_001102.4, NM_001130005.2, NM_001411035.1 and 9 more transcripts); c.626A>G, p.Gln209Arg (NM_001411036.1, NM_001424026.1, NM_001424028.1); c.947A>G, p.Gln316Arg (NM_001424013.1); c.908A>G, p.Gln303Arg (NM_001424015.1); c.818A>G, p.Gln273Arg (NM_001424017.1); c.758A>G, p.Gln253Arg (NM_001424018.1, NM_001424020.1, NM_001424022.1); c.752A>G, p.Gln251Arg (NM_001424021.1); c.-5A>G (NM_001424030.1); short protein forms Q253R, Q274R, Q303R, Q209R, Q251R, Q316R, Q273R.
Identifiers: ClinVar variation 2895055 (VCV002895055.3), dbSNP rs2503479642, ClinGen allele CA390189242.

ClinVar aggregate classification (germline): Uncertain significance (1 of 4 stars; one submission).

Submission:

Labcorp Genetics (formerly Invitae), Labcorp
Classification: Uncertain significance. Last evaluated: 2023-02-14. Review status: criteria provided, single submitter. Criteria: Invitae Variant Classification Sherloc (09022015). Collection method: clinical testing. Allele origin: germline.
Comment: This sequence change replaces glutamine, which is neutral and polar, with arginine, which is basic and polar, at codon 274 of the ACTN1 protein (p.Gln274Arg). This variant is not present in population databases (gnomAD no frequency). This variant has not been reported in the literature in individuals affected with ACTN1-related conditions. Advanced modeling of protein sequence and biophysical properties (such as structural, functional, and spatial information, amino acid conservation, physicochemical variation, residue mobility, and thermodynamic stability) performed at Invitae indicates that this missense variant is not expected to disrupt ACTN1 protein function. In summary, the available evidence is currently insufficient to determine the role of this variant in disease. Therefore, it has been classified as a Variant of Uncertain Significance.